The following is an entry in ClinVar:

NM_001009944.3(PKD1):c.10960C>G (p.Leu3654Val)

Genes: PKD1 (polycystin 1, transient receptor potential channel interacting; minus strand), PKD1-AS1 (PKD1 antisense RNA 1; plus strand). Cytogenetic location: 16p13.3.
Variant type: single nucleotide variant.
Coding change: c.10960C>G on transcript NM_001009944.3 (MANE Select); coding-DNA position 10960, C replaced by G.
Protein change: p.Leu3654Val; replaces leucine 3654 with valine.
Molecular consequence: missense variant.
Genome position (GRCh38, 1-based): chr16:2,093,600, G>C on the plus strand (C>G on the coding strand, the complement: PKD1 is on the minus strand). VCF-style: chr16-2093600-G-C. GRCh37 (hg19) VCF-style: chr16-2143601-G-C.
Other names: c.10957C>G, p.Leu3653Val (NM_000296.4); short protein forms L3653V, L3654V.
Identifiers: ClinVar variation 1807299 (VCV001807299.4), dbSNP rs2544646868, ClinGen allele CA394338757.
Genomic context (GRCh38, chr16:2,093,600, plus strand): 5'-TCACCCGCAGCATGCCATGTAGCCTCTTGACCTTGCGGGCTTCTTCCTTGGCCAGGAAGA[G>C]TGCAAAGCCGTGGGGTGGCCGTACGCGGGGCACACGTGCGCTCACAGGCGTCACAGCCGG-3'
Protein context (NP_001009944.3, residues 3644-3664): PRVRPPHGFA[Leu3654Val]FLAKEEARKV

ClinVar aggregate classification (germline): Conflicting classifications of pathogenicity. Review status: criteria provided, conflicting classifications (1 of 4 stars). 4 submissions from 4 submitters: Likely pathogenic (2); Uncertain significance (2). Last evaluated 2026-07-09.

Conditions:
Cystic renal disease.
Polycystic kidney disease, adult type (PKD1). Also called: Polycystic Kidney, Autosomal Dominant; POLYCYSTIC KIDNEY DISEASE, ADULT, TYPE I; Polycystic Kidney Disease 1, Autosomal Dominant; Polycystic kidney disease 1; Polycystic kidney disease 1, severe; POLYCYSTIC KIDNEY DISEASE 1 WITH OR WITHOUT POLYCYSTIC LIVER DISEASE. Identifiers: MedGen C3149841, MONDO:0008263, OMIM 173900.

Submissions (4):

Genetics Laboratory, Great Ormond Street Hospital NHS Foundation Trust, North Thames Genomic Laboratory Hub
Classification: Likely pathogenic for Cystic renal disease. Last evaluated: 2026-07-09. Review status: criteria provided, single submitter. Criteria: ACGS Best Practice Guidelines for Variant Classification in Rare Disease 2024 v1.2. Collection method: clinical testing. Allele origin: germline. Affected: yes.
Comment: PS4_moderate, PM2_moderate, PP4_moderate

Medgenome Labs Ltd
Classification: Uncertain significance for Polycystic kidney disease, adult type. Last evaluated: 2026-07-07. Review status: criteria provided, single submitter. Criteria: ACMG Guidelines, 2015. Collection method: clinical testing. Allele origin: germline. Affected: yes.

Fulgent Genetics
Classification: Likely pathogenic for Polycystic kidney disease, adult type. Last evaluated: 2024-05-28. Review status: criteria provided, single submitter. Criteria: ACMG Guidelines, 2015. Collection method: clinical testing. Allele origin: germline.

Athena Diagnostics
Classification: Uncertain significance. Last evaluated: 2022-08-12. Review status: criteria provided, single submitter. Criteria: Athena Diagnostics Criteria. Collection method: clinical testing. Allele origin: unknown.

Literature cited by the submitters: PubMed 30989420 (cited by Athena Diagnostics).